The following is an entry in ClinVar:

ClinVar aggregate classification (germline): Conflicting classifications of pathogenicity. Review status: criteria provided, conflicting classifications (1 of 4 stars). 3 submissions from 3 submitters: Uncertain significance (1); Likely benign (2). Last evaluated 2026-08-21.

Conditions:
Epilepsy. Also called: Seizure disorder. Identifiers: MedGen C0014544, MeSH D004827, MONDO:0005027.
Inborn genetic diseases. Identifiers: MedGen C0950123, MeSH D030342.

Allele frequency attached by ClinVar (database versions not stated): gnomAD 0.00003 and 0.00004; gnomAD exomes 0.00003 and 0.00004; TOPMed 0.00003; ExAC 0.00006.
gnomAD v4.1: 54 of 1,610,526 alleles (0.0034%); highest among the groups gnomAD compares: Admixed American, 0.0067%; 1 homozygote.

Submissions (3):

Ambry Genetics
Classification: Likely benign for Inborn genetic diseases. Last evaluated: 2026-08-21. Review status: criteria provided, single submitter. Criteria: Ambry Variant Classification Scheme 2023. Collection method: clinical testing. Allele origin: germline.

Blueprint Genetics
Classification: Likely benign. Last evaluated: 2024-07-25. Review status: criteria provided, single submitter. Criteria: ACMG Guidelines, 2015. Collection method: clinical testing. Allele origin: germline.

Labcorp Genetics (formerly Invitae), Labcorp
Classification: Uncertain significance for Epilepsy. Last evaluated: 2022-07-09. Review status: criteria provided, single submitter. Criteria: Invitae Variant Classification Sherloc (09022015). Collection method: clinical testing. Allele origin: germline.
Comment: This sequence change replaces alanine, which is neutral and non-polar, with valine, which is neutral and non-polar, at codon 114 of the PIGQ protein (p.Ala114Val). This variant is present in population databases (rs777579910, gnomAD 0.009%). This variant has not been reported in the literature in individuals affected with PIGQ-related conditions. ClinVar contains an entry for this variant (Variation ID: 655852). Algorithms developed to predict the effect of missense changes on protein structure and function output the following: SIFT: "Tolerated"; PolyPhen-2: "Benign"; Align-GVGD: "Class C0". The valine amino acid residue is found in multiple mammalian species, which suggests that this missense change does not adversely affect protein function. In summary, the available evidence is currently insufficient to determine the role of this variant in disease. Therefore, it has been classified as a Variant of Uncertain Significance.

NM_004204.5(PIGQ):c.341C>T (p.Ala114Val)

Gene: PIGQ (phosphatidylinositol glycan anchor biosynthesis class Q; plus strand). Cytogenetic location: 16p13.3.
Variant type: single nucleotide variant.
Coding change: c.341C>T on transcript NM_004204.5 (MANE Select); coding-DNA position 341, C replaced by T.
Protein change: p.Ala114Val; replaces alanine 114 with valine.
Molecular consequence: missense variant.
Genome position (GRCh38, 1-based): chr16:574,415, C>T. VCF-style: chr16-574415-C-T. GRCh37 (hg19) VCF-style: chr16-624415-C-T.
Other names: c.341C>T, p.Ala114Val (NM_148920.4); c.341C>T (NM_148920.1); short protein forms A114V.
Identifiers: ClinVar variation 655852 (VCV000655852.8), dbSNP rs777579910, ClinGen allele CA7779845.